The following is an entry in ClinVar:

NM_001040108.2(MLH3):c.1758A>G (p.Glu586=)

Gene: MLH3 (mutL homolog 3; minus strand). Cytogenetic location: 14q24.3.
Variant type: single nucleotide variant.
Coding change: c.1758A>G on transcript NM_001040108.2 (MANE Select); coding-DNA position 1758, A replaced by G.
Protein change: p.Glu586=; no amino-acid change (glutamic acid 586 retained).
Molecular consequence: synonymous variant.
Genome position (GRCh38, 1-based): chr14:75,047,898, T>C on the plus strand (A>G on the coding strand, the complement: MLH3 is on the minus strand). VCF-style: chr14-75047898-T-C. GRCh37 (hg19) VCF-style: chr14-75514601-T-C.
Other names: c.1758A>G, p.Glu586= (NM_014381.3).
Identifiers: ClinVar variation 5042161 (VCV005042161.1).

ClinVar aggregate classification (germline): Benign (1 of 4 stars; one submission).

Conditions:
Colorectal cancer, hereditary nonpolyposis, type 7. Identifiers: Orphanet 144, MedGen C1858380, MONDO:0013725, OMIM 614385.

Submission:

Myriad Genetics, Inc.
Classification: Benign for Colorectal cancer, hereditary nonpolyposis, type 7. Last evaluated: 2026-09-18. Review status: criteria provided, single submitter. Criteria: Myriad Autosomal Dominant, Autosomal Recessive and X-Linked Classification Criteria (2023). Collection method: clinical testing. Allele origin: unknown.
Comment: This variant is considered benign. This variant is a silent/synonymous amino acid change and it is not expected to impact splicing.